The following is an entry in ClinVar:

NM_000128.4(F11):c.120_121del (p.Pro41fs)

Gene: F11 (coagulation factor XI; plus strand). Cytogenetic location: 4q35.2.
Variant type: Microsatellite.
Coding change: c.120_121del on transcript NM_000128.4 (MANE Select); coding-DNA positions 120 to 121, 2 bases deleted (AC; older notation c.120_121delAC).
Protein change: p.Pro41fs; shifts the reading frame from proline 41.
Molecular consequence: frameshift variant.
Genome position (GRCh38, 1-based): chr4:186,271,673-186,271,674, AC deleted; deleting any 2 consecutive bases within chr4:186,271,670-186,271,674 gives the same sequence; the c. name uses the placement nearest the transcript's 3' end. VCF-style (leftmost placement, unchanged base first): chr4-186271669-TCA-T. GRCh37 (hg19) VCF-style: chr4-187192823-TCA-T.
Other names: c.120_121del, p.Pro41fs (NM_001354804.2, NM_001440590.1, NM_001440593.1 and 5 more transcripts); short protein forms P41fs.
Identifiers: ClinVar variation 5013058 (VCV005013058.1).
Genomic context (GRCh38, chr4:186,271,669, plus strand): 5'-AATGTGTGACTCAGTTGTTGAAGGACACCTGCTTTGAAGGAGGGGACATTACTACGGTCT[TCA>T]CACCAAGCGCCAAGTACTGCCAGGTAGTCTGCACTTACCACCCAAGATGTTTACTCTTCA-3'

ClinVar aggregate classification (germline): Pathogenic (1 of 4 stars; one submission).

Conditions:
Hereditary factor XI deficiency disease. Also called: PLASMA THROMBOPLASTIN ANTECEDENT DEFICIENCY; PTA DEFICIENCY; ROSENTHAL SYNDROME; Congenital factor XI deficiency. Identifiers: Orphanet 329, MedGen C0015523, MeSH D005173, MONDO:0012897, OMIM 612416.

Submission:

Myriad Genetics, Inc.
Classification: Pathogenic for Hereditary factor XI deficiency disease. Last evaluated: 2024-05-15. Review status: criteria provided, single submitter. Criteria: Myriad Autosomal Dominant, Autosomal Recessive and X-Linked Classification Criteria (2023). Collection method: clinical testing. Allele origin: unknown.
Comment: NM_000128.3(F11):c.120_121delAC(P41Kfs*27) is expected to be pathogenic in the context of factor XI deficiency. This variant is predicted to lead to an abnormal or absent protein product due to the creation of a premature termination codon in F11, a gene where loss-of-function variants are known to be pathogenic. Please note: this variant was assessed in the context of healthy population screening.